The following is an entry in ClinVar:

ClinVar aggregate classification (germline): Likely pathogenic (1 of 4 stars; one submission).

Conditions:
Bardet-Biedl syndrome 10 (BBS10). Identifiers: Orphanet 110, MedGen C1859568, MONDO:0014438, OMIM 615987.

Submission:

Natera, Inc.
Classification: Likely pathogenic for Bardet-Biedl syndrome type 10. Last evaluated: 2024-12-26. Review status: criteria provided, single submitter. Criteria: Natera Variant Classification Schema (03/2026). Collection method: clinical testing. Allele origin: germline.
Comment: The c.338_341del variant in BBS10 is a frameshift variant predicted to shift the reading frame beginning at codon 113 and leads to a stop codon 21 codons downstream. This variant is expected to result in nonsense mediated decay, truncation, or a dysfunctional protein product. This variant is rare in the general population with a frequency below the threshold expected for the associated phenotype(s). Given the available evidence, this variant is classified as Likely Pathogenic.

NM_024685.4(BBS10):c.338_341del (p.Ile113fs)

Gene: BBS10 (Bardet-Biedl syndrome 10; minus strand). Cytogenetic location: 12q21.2.
Variant type: Deletion.
Coding change: c.338_341del on transcript NM_024685.4 (MANE Select); coding-DNA positions 338 to 341, 4 bases deleted (TTCA; older notation c.338_341delTTCA).
Protein change: p.Ile113fs; shifts the reading frame from isoleucine 113.
Molecular consequence: frameshift variant.
Genome position (GRCh38, 1-based): chr12:76,347,644-76,347,647, TGAA deleted on the plus strand (TTCA on the coding strand, the reverse complement: BBS10 is on the minus strand); deleting any 4 consecutive bases within chr12:76,347,644-76,347,649 gives the same sequence; the c. name uses the placement nearest the transcript's 3' end. VCF-style (leftmost placement, unchanged base first): chr12-76347643-TTGAA-T. GRCh37 (hg19) VCF-style: chr12-76741423-TTGAA-T.
Other names: short protein forms I113fs.
Identifiers: ClinVar variation 4816163 (VCV004816163.1).